The following is an entry in ClinVar:

NM_001145809.2(MYH14):c.33G>A (p.Arg11=)

Gene: MYH14 (myosin heavy chain 14; plus strand). Cytogenetic location: 19q13.33.
Variant type: single nucleotide variant.
Coding change: c.33G>A on transcript NM_001145809.2 (MANE Select); coding-DNA position 33, G replaced by A.
Protein change: p.Arg11=; no amino-acid change (arginine 11 retained).
Molecular consequence: synonymous variant.
Genome position (GRCh38, 1-based): chr19:50,210,398, G>A. VCF-style: chr19-50210398-G-A. GRCh37 (hg19) VCF-style: chr19-50713655-G-A.
Other names: c.33G>A, p.Arg11= (NM_001077186.2, NM_024729.4).
Identifiers: ClinVar variation 164161 (VCV000164161.6), dbSNP rs8106196, ClinGen allele CA176875.

ClinVar aggregate classification (germline): Benign/Likely benign. Review status: criteria provided, multiple submitters, no conflicts (2 of 4 stars). 2 submissions from 2 submitters: Benign (1); Likely benign (1). Last evaluated 2024-09-09.

Allele frequency attached by ClinVar (database versions not stated): TOPMed 0.00014.
gnomAD v4.1: 39 of 1,580,636 alleles (0.0025%); highest among the groups gnomAD compares: East Asian, 0.087%; no homozygotes.

Submissions (2):

Labcorp Genetics (formerly Invitae), Labcorp
Classification: Benign. Last evaluated: 2024-09-09. Review status: criteria provided, single submitter. Criteria: Invitae Variant Classification Sherloc (09022015). Collection method: clinical testing. Allele origin: germline.

Laboratory for Molecular Medicine, Mass General Brigham Personalized Medicine
Classification: Likely benign. Last evaluated: 2016-03-03. Review status: criteria provided, single submitter. Criteria: LMM Criteria. Collection method: clinical testing. Allele origin: germline. Observed: 2 variant alleles.
Comment: p.Arg11Arg in exon 2 of MYH14: This variant is not expected to have clinical sig nificance because it does not alter an amino acid residue, and is not located wi thin the splice consensus sequence. It has been identified in 0.4% (11/3002) of East Asian chromosomes by the Exome Aggregation Consortium (ExAC; dbSNP rs8106196).